The following is an entry in ClinVar:

ClinVar aggregate classification (germline): Uncertain significance (1 of 4 stars; one submission).

Conditions:
COL1A1-related disorder. Also called: COL1A1-related condition; COL1A1- related disease.

Submission:

PreventionGenetics, part of Exact Sciences
Classification: Uncertain significance for COL1A1-related condition. Last evaluated: 2026-02-13. Review status: criteria provided, single submitter. Criteria: ACMG Guidelines, 2015. Collection method: clinical testing. Allele origin: germline.
Comment: The COL1A1 c.59C>A variant is predicted to result in the amino acid substitution p.Thr20Lys. To our knowledge, this variant has not been reported in the literature or in a large population database (gnomAD), indicating this variant is rare. At this time, the clinical significance of this variant is uncertain due to the absence of conclusive functional and genetic evidence.

NM_000088.4(COL1A1):c.59C>A (p.Thr20Lys)

Gene: COL1A1 (collagen type I alpha 1 chain; minus strand). Cytogenetic location: 17q21.33.
Variant type: single nucleotide variant.
Coding change: c.59C>A on transcript NM_000088.4 (MANE Select); coding-DNA position 59, C replaced by A.
Protein change: p.Thr20Lys; replaces threonine 20 with lysine.
Molecular consequence: missense variant.
Genome position (GRCh38, 1-based): chr17:50,201,455, G>T on the plus strand (C>A on the coding strand, the complement: COL1A1 is on the minus strand). VCF-style: chr17-50201455-G-T. GRCh37 (hg19) VCF-style: chr17-48278816-G-T.
Other names: short protein forms T20K.
Identifiers: ClinVar variation 4995594 (VCV004995594.1).